The following is an entry in ClinVar:

ClinVar aggregate classification (germline): Uncertain significance (1 of 4 stars; one submission).

gnomAD v4.1: 1 of 1,614,224 alleles (0.000062%); no homozygotes.

Submission:

Greenwood Genetic Center Diagnostic Laboratories, Greenwood Genetic Center
Classification: Uncertain significance. Last evaluated: 2023-12-19. Review status: criteria provided, single submitter. Criteria: ACMG Guidelines, 2015. Collection method: clinical testing. Allele origin: germline. Affected: yes.
Comment: PM2

NM_001844.5(COL2A1):c.250G>A (p.Glu84Lys)

Gene: COL2A1 (collagen type II alpha 1 chain; minus strand). Cytogenetic location: 12q13.11.
Variant type: single nucleotide variant.
Coding change: c.250G>A on transcript NM_001844.5 (MANE Select); coding-DNA position 250, G replaced by A.
Protein change: p.Glu84Lys; replaces glutamic acid 84 with lysine.
Molecular consequence: missense variant. On other transcripts: intron variant (1).
Genome position (GRCh38, 1-based): chr12:47,999,961, C>T on the plus strand (G>A on the coding strand, the complement: COL2A1 is on the minus strand). VCF-style: chr12-47999961-C-T. GRCh37 (hg19) VCF-style: chr12-48393744-C-T.
Other names: c.86-1530G>A (NM_033150.3); short protein forms E84K.
Identifiers: ClinVar variation 2692514 (VCV002692514.1), dbSNP rs2540187418, ClinGen allele CA384525958.
Genomic context (GRCh38, chr12:47,999,961, plus strand): 5'-AAATAAATAAATTACAACCACTGGCAGTGGCGAGGTCAGTTGGGCAGATGGGGCAGCACT[C>T]TCCGAAGGGGATCTCAGGGCTGAGGCAGTCTTTCACGTCTTCACAGATTATGTCGTCGCA-3'
Protein context (NP_001835.3, residues 74-94): DCLSPEIPFG[Glu84Lys]CCPICPTDLA